The following is an entry in ClinVar:

NM_004247.4(EFTUD2):c.1331del (p.Gly444fs)

Gene: EFTUD2 (elongation factor Tu GTP binding domain containing 2; minus strand). Cytogenetic location: 17q21.31.
Variant type: Deletion.
Coding change: c.1331del on transcript NM_004247.4 (MANE Select); coding-DNA position 1331, one base deleted (G; older notation c.1331delG).
Protein change: p.Gly444fs; shifts the reading frame from glycine 444.
Molecular consequence: frameshift variant.
Genome position (GRCh38, 1-based): chr17:44,863,737, C deleted on the plus strand (G on the coding strand, the reverse complement: EFTUD2 is on the minus strand); the first of 3 consecutive C bases (chr17:44,863,737-44,863,739); deleting any one gives the same sequence. VCF-style (leftmost placement, unchanged base first): chr17-44863736-GC-G. GRCh37 (hg19) VCF-style: chr17-42941104-GC-G.
Other names: c.1226del, p.Gly409fs (NM_001142605.2); c.1331del, p.Gly444fs (NM_001258353.2); c.1301del, p.Gly434fs (NM_001258354.2); short protein forms G409fs, G434fs, G444fs.
Identifiers: ClinVar variation 1029804 (VCV001029804.1), dbSNP rs2050697632, ClinGen allele CA2261590542.
Genomic context (GRCh38, chr17:44,863,736, plus strand): 5'-AGCCTCGCCGAGGTCGGAGTCCACACCACCGGTGTAGGTGTGCTCAATCTTGGGCTTGGC[GC>G]CCACCTTTGGAGAAGGGATATGCTGCACACACATGTCCACAAAGCCTGTGGATGGAGAAG-3'

ClinVar aggregate classification (germline): Pathogenic (1 of 4 stars; one submission).

Conditions:
Mandibulofacial dysostosis-microcephaly syndrome (MFDGA). Also called: Growth and mental retardation, mandibulofacial dysostosis, microcephaly, and cleft palate; Mandibulofacial dysostosis, Guion-Almeida type. Identifiers: Orphanet 79113, MedGen C1864652, MONDO:0012516, OMIM 610536.

Submission:

Baylor Genetics
Classification: Pathogenic for Mandibulofacial dysostosis-microcephaly syndrome. Last evaluated: 2019-03-27. Review status: criteria provided, single submitter. Criteria: ACMG Guidelines, 2015. Collection method: clinical testing. Allele origin: de novo. Affected: yes.
Comment: This variant was determined to be pathogenic according to ACMG Guidelines, 2015 [PMID:25741868].